The following is an entry in ClinVar:

NM_025099.6(CTC1):c.2718A>T (p.Thr906=)

Gene: CTC1 (CST telomere replication complex component 1; minus strand). Cytogenetic location: 17p13.1.
Variant type: single nucleotide variant.
Coding change: c.2718A>T on transcript NM_025099.6 (MANE Select); coding-DNA position 2718, A replaced by T.
Protein change: p.Thr906=; no amino-acid change (threonine 906 retained).
Molecular consequence: synonymous variant. On other transcripts: non-coding transcript variant (1).
Genome position (GRCh38, 1-based): chr17:8,230,603, T>A on the plus strand (A>T on the coding strand, the complement: CTC1 is on the minus strand). VCF-style: chr17-8230603-T-A. GRCh37 (hg19) VCF-style: chr17-8133921-T-A.
Other names: c.2718A>T, p.Thr906= (NM_001411067.1).
Identifiers: ClinVar variation 2647454 (VCV002647454.24), dbSNP rs375180275, ClinGen allele CA497958576.

ClinVar aggregate classification (germline): Likely benign (1 of 4 stars; one submission).

Submission:

CeGaT Center for Human Genetics Tuebingen
Classification: Likely benign. Last evaluated: 2023-02-01. Review status: criteria provided, single submitter. Criteria: CeGaT Center For Human Genetics Tuebingen Variant Classification Criteria Version 2. Collection method: clinical testing. Allele origin: germline. Affected: yes. Observed: 1 variant allele.
Comment: CTC1: PM2:Supporting, BP4, BP7